The following is an entry in ClinVar:

NM_004104.5(FASN):c.5587G>A (p.Ala1863Thr)

Gene: FASN (fatty acid synthase; minus strand). Cytogenetic location: 17q25.3.
Variant type: single nucleotide variant.
Coding change: c.5587G>A on transcript NM_004104.5 (MANE Select); coding-DNA position 5587, G replaced by A.
Protein change: p.Ala1863Thr; replaces alanine 1863 with threonine.
Molecular consequence: missense variant.
Genome position (GRCh38, 1-based): chr17:82,083,094, C>T on the plus strand (G>A on the coding strand, the complement: FASN is on the minus strand). VCF-style: chr17-82083094-C-T. GRCh37 (hg19) VCF-style: chr17-80040970-C-T.
Other names: short protein forms A1863T.
Identifiers: ClinVar variation 3647783 (VCV003647783.2).
Genomic context (GRCh38, chr17:82,083,094, plus strand): 5'-CCGGGCAGAAGGTCTTGGAGATGGCCGACATCAGCTTGGGTTTGGCCCCCTTCAGCACTG[C>T]CTCCGGCTCCTCCGCAAGCACCTGCGTCCAAGCAGCACCCACCGGCTCAGGCACTGCCTG-3'
Protein context (NP_004095.4, residues 1853-1873): VVQVLAEEPE[Ala1863Thr]VLKGAKPKLM

ClinVar aggregate classification (germline): Uncertain significance (1 of 4 stars; one submission).

Conditions:
Epileptic encephalopathy. Identifiers: MedGen C0543888, HP:0200134.

gnomAD v4.1: 1 of 1,610,660 alleles (0.000062%); highest among the groups gnomAD compares: Non-Finnish European, 0.000085%; no homozygotes.

Submission:

Labcorp Genetics (formerly Invitae), Labcorp
Classification: Uncertain significance for Epileptic encephalopathy. Last evaluated: 2024-03-27. Review status: criteria provided, single submitter. Criteria: Invitae Variant Classification Sherloc (09022015). Collection method: clinical testing. Allele origin: germline.
Comment: This sequence change replaces alanine, which is neutral and non-polar, with threonine, which is neutral and polar, at codon 1863 of the FASN protein (p.Ala1863Thr). This variant is not present in population databases (gnomAD no frequency). This variant has not been reported in the literature in individuals affected with FASN-related conditions. Algorithms developed to predict the effect of missense changes on protein structure and function output the following: SIFT: "Not Available"; PolyPhen-2: "Benign"; Align-GVGD: "Not Available". The threonine amino acid residue is found in multiple mammalian species, which suggests that this missense change does not adversely affect protein function. In summary, the available evidence is currently insufficient to determine the role of this variant in disease. Therefore, it has been classified as a Variant of Uncertain Significance.